The following is an entry in ClinVar:

NM_213599.3(ANO5):c.299del (p.Arg100fs)

Gene: ANO5 (anoctamin 5; plus strand). Cytogenetic location: 11p14.3.
Variant type: Deletion.
Coding change: c.299del on transcript NM_213599.3 (MANE Select); coding-DNA position 299, one base deleted (G; older notation c.299delG).
Protein change: p.Arg100fs; shifts the reading frame from arginine 100.
Molecular consequence: frameshift variant.
Genome position (GRCh38, 1-based): chr11:22,225,988, G deleted. VCF-style (leftmost placement, unchanged base first): chr11-22225987-AG-A. GRCh37 (hg19) VCF-style: chr11-22247533-AG-A.
Other names: c.296del, p.Arg99fs (NM_001142649.2); c.299delG (NM_213599.3, NM_213599.2); short protein forms R99fs, R100fs.
Identifiers: ClinVar variation 418672 (VCV000418672.4), dbSNP rs1064793358, ClinGen allele CA16619301.

ClinVar aggregate classification (germline): Pathogenic. Review status: criteria provided, multiple submitters, no conflicts (2 of 4 stars). 3 submissions from 3 submitters: Pathogenic (3). Last evaluated 2026-05-18.

Conditions:
Gnathodiaphyseal dysplasia (GDD). Also called: GNATHODIAPHYSEAL SCLEROSIS; OSTEOGENESIS IMPERFECTA WITH UNUSUAL SKELETAL LESIONS. Identifiers: Orphanet 53697, MedGen C1833736, MONDO:0008151, OMIM 166260.
Autosomal recessive limb-girdle muscular dystrophy type 2L (LGMDR12). Also called: MUSCULAR DYSTROPHY, LIMB-GIRDLE, AUTOSOMAL RECESSIVE 12; Limb-girdle muscular dystrophy, type 2L; Limb-Girdle Muscular Dystrophy R12 Anoctamin-5-Related (LGMD-R12). Identifiers: Orphanet 206549, MedGen C1969785, MONDO:0012652, OMIM 611307.

Submissions (3):

Women's Health and Genetics/Laboratory Corporation of America, LabCorp
Classification: Pathogenic for Autosomal recessive limb-girdle muscular dystrophy type 2L. Last evaluated: 2026-05-18. Review status: criteria provided, single submitter. Criteria: LabCorp Variant Classification Summary - May 2015. Collection method: clinical testing. Allele origin: germline.
Comment: Variant summary: ANO5 c.299delG (p.Arg100LysfsX18) results in a premature termination codon, predicted to cause a truncation of the encoded protein or absence of the protein due to nonsense mediated decay, which are commonly known mechanisms for disease. The variant was absent in 249532 control chromosomes. To our knowledge, no occurrence of c.299delG in individuals affected with ANO5-related conditions and no experimental evidence demonstrating its impact on protein function have been reported. ClinVar contains an entry for this variant (Variation ID: 418672). Based on the evidence outlined above, the variant was classified as pathogenic.

Labcorp Genetics (formerly Invitae), Labcorp
Classification: Pathogenic for Limb-girdle muscular dystrophy, type 2L; Gnathodiaphyseal dysplasia. Last evaluated: 2018-10-10. Review status: criteria provided, single submitter. Criteria: Invitae Variant Classification Sherloc (09022015). Collection method: clinical testing. Allele origin: germline.
Comment: This sequence change creates a premature translational stop signal (p.Arg100Lysfs*18) in the ANO5 gene. It is expected to result in an absent or disrupted protein product. This variant is not present in population databases (ExAC no frequency). This variant has not been reported in the literature in individuals with ANO5-related disease. ClinVar contains an entry for this variant (Variation ID: 418672). Loss-of-function variants in ANO5 are known to be pathogenic (PMID: 21186264, 23606453, 25891276). For these reasons, this variant has been classified as Pathogenic.

GeneDx
Classification: Pathogenic. Last evaluated: 2015-03-13. Review status: criteria provided, single submitter. Criteria: GeneDx Variant Classification (06012015). Collection method: clinical testing. Allele origin: germline. Affected: yes.
Comment: The c.299delG deletion in the ANO5 gene has not been reported previously as a pathogenic variantnor as a benign polymorphism, to our knowledge. The c.299delG variant is predicted to cause lossof normal protein function either through protein truncation or nonsense-mediated mRNA decay. The c.299delG variant was not observed in approximately 6500 individuals of European and AfricanAmerican ancestry in the NHLBI Exome Sequencing Project, indicating it is not a common benign variantin these populations. We interpret c.299delG as a pathogenic variant.